The following is an entry in ClinVar:

NM_000936.4(PNLIP):c.1355A>G (p.Glu452Gly)

Gene: PNLIP (pancreatic lipase; plus strand). Cytogenetic location: 10q25.3.
Variant type: single nucleotide variant.
Coding change: c.1355A>G on transcript NM_000936.4 (MANE Select); coding-DNA position 1355, A replaced by G.
Protein change: p.Glu452Gly; replaces glutamic acid 452 with glycine.
Molecular consequence: missense variant.
Genome position (GRCh38, 1-based): chr10:116,567,755, A>G. VCF-style: chr10-116567755-A-G. GRCh37 (hg19) VCF-style: chr10-118327267-A-G.
Other names: short protein forms E452G.
Identifiers: ClinVar variation 2848898 (VCV002848898.3), dbSNP rs1445702159, ClinGen allele CA378498545.

ClinVar aggregate classification (germline): Uncertain significance (1 of 4 stars; one submission).

Allele frequency attached by ClinVar (database versions not stated): TOPMed below 0.00001; gnomAD 0.00001.
gnomAD v4.1: 1 of 1,613,968 alleles (0.000062%); highest among the groups gnomAD compares: Non-Finnish European, 0.000085%; no homozygotes.

Submission:

Labcorp Genetics (formerly Invitae), Labcorp
Classification: Uncertain significance. Last evaluated: 2023-03-23. Review status: criteria provided, single submitter. Criteria: Invitae Variant Classification Sherloc (09022015). Collection method: clinical testing. Allele origin: germline.
Comment: Advanced modeling of protein sequence and biophysical properties (such as structural, functional, and spatial information, amino acid conservation, physicochemical variation, residue mobility, and thermodynamic stability) performed at Invitae indicates that this missense variant is not expected to disrupt PNLIP protein function. In summary, the available evidence is currently insufficient to determine the role of this variant in disease. Therefore, it has been classified as a Variant of Uncertain Significance. This variant has not been reported in the literature in individuals affected with PNLIP-related conditions. This variant is not present in population databases (gnomAD no frequency). This sequence change replaces glutamic acid, which is acidic and polar, with glycine, which is neutral and non-polar, at codon 452 of the PNLIP protein (p.Glu452Gly).